The following is an entry in ClinVar:

NM_016356.5(DCDC2):c.2T>G (p.Met1Arg)

Genes: DCDC2 (doublecortin domain containing 2; minus strand), KAAG1 (kidney associated DCDC2 antisense RNA 1; plus strand). Cytogenetic location: 6p22.3.
Variant type: single nucleotide variant.
Coding change: c.2T>G on transcript NM_016356.5 (MANE Select); coding-DNA position 2, T replaced by G.
Protein change: p.Met1Arg; changes the start codon (methionine 1).
Molecular consequence: missense variant, initiator codon variant. On other transcripts: non-coding transcript variant (1).
Genome position (GRCh38, 1-based): chr6:24,357,749, A>C on the plus strand (T>G on the coding strand, the complement: DCDC2 is on the minus strand). VCF-style: chr6-24357749-A-C. GRCh37 (hg19) VCF-style: chr6-24357977-A-C.
Other names: c.2T>G, p.Met1Arg (NM_001195610.2); short protein forms M1R.
Identifiers: ClinVar variation 4794554 (VCV004794554.3).

ClinVar aggregate classification (germline): Pathogenic/Likely pathogenic. Review status: criteria provided, multiple submitters, no conflicts (2 of 4 stars). 3 submissions from 3 submitters: Pathogenic (2); Likely pathogenic (1). Last evaluated 2026-08-19.

Conditions:
Isolated neonatal sclerosing cholangitis (NSC). Also called: Sclerosing cholangitis, neonatal. Identifiers: Orphanet 480556, MedGen C4479344, MONDO:0018816, OMIM 617394.
Autosomal recessive nonsyndromic hearing loss 66 (DFNB66). Also called: Deafness, autosomal recessive 66. Identifiers: Orphanet 90636, MedGen C1857750, MONDO:0012442, OMIM 610212.

Submissions (3):

Molecular Genetics Laboratory, CHU Lille
Classification: Pathogenic for Isolated neonatal sclerosing cholangitis. Last evaluated: 2026-08-19. Review status: criteria provided, single submitter. Criteria: ACMG Guidelines, 2015. Collection method: clinical testing. Allele origin: germline. Affected: yes.
Comment: This variant alters the initiator methionine of DCDC2 (next in-frame start at codon 110) and is rare in gnomAD. Loss of the start codon has been observed in individuals with DCDC2-related diseases. In summary, this variant meets the criteria to be classified as pathogenic based on the applied ACMG/AMP guidelines (PVS1, PP5, PM2).

GeneDx
Classification: Pathogenic. Last evaluated: 2026-02-24. Review status: criteria provided, single submitter. Criteria: GeneDx Variant Classification Process June 2021. Collection method: clinical testing. Allele origin: germline.
Comment: Not observed at significant frequency in large population cohorts (gnomAD); Initiation codon variant in a gene for which loss of function is a known mechanism of disease; This variant is associated with the following publications: (PMID: 36938759)

Labcorp Genetics (formerly Invitae), Labcorp
Classification: Likely pathogenic for Autosomal recessive nonsyndromic hearing loss 66; Isolated neonatal sclerosing cholangitis. Last evaluated: 2025-02-26. Review status: criteria provided, single submitter. Criteria: Invitae Variant Classification Sherloc (09022015). Collection method: clinical testing. Allele origin: germline.
Comment: This sequence change affects the initiator methionine of the DCDC2 mRNA. The next in-frame methionine is located at codon 110. This variant is present in population databases (rs753069495, gnomAD 0.002%). Disruption of the initiator codon has been observed in individual(s) with nephronophthisis (PMID: 36938759). In at least one individual the data is consistent with being in trans (on the opposite chromosome) from a pathogenic variant. This variant disrupts a region of the DCDC2 protein in which other variant(s) (p.Gly25Arg) have been observed in individuals with DCDC2-related conditions (PMID: 34155636). This suggests that this is a clinically significant region of the protein, and that variants that disrupt it are likely to be disease-causing. In summary, the currently available evidence indicates that the variant is pathogenic, but additional data are needed to prove that conclusively. Therefore, this variant has been classified as Likely Pathogenic.

Literature cited by the submitters: PubMed 36938759 (cited by Labcorp Genetics (formerly Invitae), Labcorp); PubMed 34155636 (cited by Labcorp Genetics (formerly Invitae), Labcorp).